The following is an entry in ClinVar:

NM_001267550.2(TTN):c.43392G>A (p.Met14464Ile)

Gene: TTN (titin; minus strand). Cytogenetic location: 2q31.2.
Variant type: single nucleotide variant.
Coding change: c.43392G>A on transcript NM_001267550.2 (MANE Select); coding-DNA position 43392, G replaced by A.
Protein change: p.Met14464Ile; replaces methionine 14464 with isoleucine.
Molecular consequence: missense variant.
Genome position (GRCh38, 1-based): chr2:178,632,614, C>T on the plus strand (G>A on the coding strand, the complement: TTN is on the minus strand). VCF-style: chr2-178632614-C-T. GRCh37 (hg19) VCF-style: chr2-179497341-C-T.
Other names: c.38469G>A, p.Met12823Ile (NM_001256850.1); c.16197G>A, p.Met5399Ile (NM_003319.4); c.35688G>A, p.Met11896Ile (NM_133378.4); c.16572G>A, p.Met5524Ile (NM_133432.3); c.16773G>A, p.Met5591Ile (NM_133437.4); short protein forms M11896I, M12823I, M14464I, M5399I, M5524I, M5591I.
Identifiers: ClinVar variation 1200647 (VCV001200647.4), dbSNP rs370601384, ClinGen allele CA1995878.
Genomic context (GRCh38, chr2:178,632,614, plus strand): 5'-CTTATCTTCAGCTTCAAACATGTATTTTGCTTCATCTTCAAAAGCAGCTGACTTGATCAC[C>T]ATTGAATGCTTAGTGCCATCCTTTATAAGCTCAAATCTGTCATCACCTGTGATTTCCTGG-3'
Protein context (NP_001254479.2, residues 14454-14474): ELIKDGTKHS[Met14464Ile]VIKSAAFEDE

ClinVar aggregate classification (germline): Conflicting classifications of pathogenicity. Review status: criteria provided, conflicting classifications (1 of 4 stars). 2 submissions from 2 submitters: Uncertain significance (1); Likely benign (1). Last evaluated 2024-02-02.

Conditions:
Myopathy, myofibrillar, 9, with early respiratory failure (MFM9). Also called: EDSTROM MYOPATHY; MYOPATHY, PROXIMAL, WITH EARLY RESPIRATORY MUSCLE INVOLVEMENT; Hereditary myopathy with early respiratory failure; Myopathy, distal, with early respiratory failure, autosomal dominant. Identifiers: Orphanet 178464, Orphanet 34521, MedGen C1863599, MONDO:0011362, OMIM 603689.
Hypertrophic cardiomyopathy 9. Also called: Familial hypertrophic cardiomyopathy 9. Identifiers: MedGen C1861065, MONDO:0013412, OMIM 613765.
Dilated cardiomyopathy 1G (CMD1G). Identifiers: Orphanet 154, MedGen C1858763, MONDO:0011400, OMIM 604145.
Tibial muscular dystrophy (TMD). Also called: Udd Distal Myopathy – Tibial Muscular Dystrophy; UDD MYOPATHY; Tibial muscular dystrophy, tardive. Identifiers: Orphanet 609, MedGen C1838244, MONDO:0010870, OMIM 600334.
Early-onset myopathy with fatal cardiomyopathy (CMYO5). Also called: Salih Myopathy; CONGENITAL MYOPATHY 5 WITH CARDIOMYOPATHY. Identifiers: Orphanet 289377, MedGen C2673677, MONDO:0012714, OMIM 611705. Disease mechanism: loss of function.
Autosomal recessive limb-girdle muscular dystrophy type 2J (LGMDR10). Also called: Limb-girdle muscular dystrophy, type 2J; MUSCULAR DYSTROPHY, LIMB-GIRDLE, AUTOSOMAL RECESSIVE 10. Identifiers: Orphanet 140922, MedGen C1837342, MONDO:0012127, OMIM 608807.

Allele frequency attached by ClinVar (database versions not stated): ExAC 0.00002; gnomAD exomes 0.00002 and 0.00003; TOPMed 0.00006; gnomAD 0.00007; ESP Exome Variant Server 0.00008.

Submissions (2):

Fulgent Genetics
Classification: Uncertain significance for Tibial muscular dystrophy; Myopathy, myofibrillar, 9, with early respiratory failure; Dilated cardiomyopathy 1G; Autosomal recessive limb-girdle muscular dystrophy type 2J; Early-onset myopathy with fatal cardiomyopathy; Hypertrophic cardiomyopathy 9. Last evaluated: 2024-02-02. Review status: criteria provided, single submitter. Criteria: ACMG Guidelines, 2015. Collection method: clinical testing. Allele origin: germline.

GeneDx
Classification: Likely benign. Last evaluated: 2018-09-24. Review status: criteria provided, single submitter. Criteria: GeneDx Variant Classification Process June 2021. Collection method: clinical testing. Allele origin: germline. Affected: yes.
Comment: This variant is associated with the following publications: (PMID: 27321809)